The following is an entry in ClinVar:

NM_000051.4(ATM):c.7949A>C (p.Asp2650Ala)

Genes: C11orf65 (chromosome 11 open reading frame 65; minus strand), ATM (ATM serine/threonine kinase; plus strand). Cytogenetic location: 11q22.3.
Variant type: single nucleotide variant.
Coding change: c.7949A>C on transcript NM_000051.4 (MANE Select); coding-DNA position 7949, A replaced by C.
Protein change: p.Asp2650Ala; replaces aspartic acid 2650 with alanine.
Molecular consequence: missense variant. On other transcripts: intron variant (2).
Genome position (GRCh38, 1-based): chr11:108,333,907, A>C. VCF-style: chr11-108333907-A-C. GRCh37 (hg19) VCF-style: chr11-108204634-A-C.
Other names: c.7949A>C, p.Asp2650Ala (NM_001351834.2); c.641-24836T>G (NM_001330368.2); c.*38+1313T>G (NM_001351110.2); short protein forms D2650A.
Identifiers: ClinVar variation 407617 (VCV000407617.9), dbSNP rs1060501635, ClinGen allele CA16613207.

ClinVar aggregate classification (germline): Uncertain significance (1 of 4 stars; one submission).

Conditions:
Ataxia-telangiectasia syndrome (AT). Also called: LOUIS-BAR SYNDROME; Cerebello-oculocutaneous telangiectasia; Immunodeficiency with ataxia telangiectasia; Ataxia-telangiectasia, complementation group D; AT, COMPLEMENTATION GROUP C; Ataxia-telangiectasia, complementation group E. Identifiers: Orphanet 100, MedGen C0004135, MONDO:0008840, OMIM 208900.

Submission:

Labcorp Genetics (formerly Invitae), Labcorp
Classification: Uncertain significance for Ataxia-telangiectasia syndrome. Last evaluated: 2025-07-16. Review status: criteria provided, single submitter. Criteria: Invitae Variant Classification Sherloc (09022015). Collection method: clinical testing. Allele origin: germline.
Comment: This sequence change replaces aspartic acid, which is acidic and polar, with alanine, which is neutral and non-polar, at codon 2650 of the ATM protein (p.Asp2650Ala). This variant is not present in population databases (gnomAD no frequency). This variant has not been reported in the literature in individuals affected with ATM-related conditions. ClinVar contains an entry for this variant (Variation ID: 407617). Invitae Evidence Modeling of protein sequence and biophysical properties (such as structural, functional, and spatial information, amino acid conservation, physicochemical variation, residue mobility, and thermodynamic stability) has been performed for this missense variant. However, the output from this modeling did not meet the statistical confidence thresholds required to predict the impact of this variant on ATM protein function. In summary, the available evidence is currently insufficient to determine the role of this variant in disease. Therefore, it has been classified as a Variant of Uncertain Significance.